The following is an entry in ClinVar:

ClinVar aggregate classification (germline): Uncertain significance (1 of 4 stars; one submission).

Conditions:
POLG-related disorder. Also called: POLG-Related Spectrum Disorders; POLG-related condition; POLG-Related Disorders. Identifiers: MedGen C4763519.

gnomAD v4.1: 1 of 1,614,144 alleles (0.000062%); highest among the groups gnomAD compares: Non-Finnish European, 0.000085%; no homozygotes.

Submission:

PreventionGenetics, part of Exact Sciences
Classification: Uncertain significance for POLG-related condition. Last evaluated: 2026-07-19. Review status: criteria provided, single submitter. Criteria: ACMG Guidelines, 2015. Collection method: clinical testing. Allele origin: germline.
Comment: The POLG c.3250G>A variant is predicted to result in the amino acid substitution p.Glu1084Lys. To our knowledge, this variant has not been reported in the literature or in a large population database (gnomAD), indicating this variant is rare. At this time, the clinical significance of this variant is uncertain due to the absence of conclusive functional and genetic evidence.

NM_002693.3(POLG):c.3250G>A (p.Glu1084Lys)

Gene: POLG (DNA polymerase gamma, catalytic subunit; minus strand). Cytogenetic location: 15q26.1.
Variant type: single nucleotide variant.
Coding change: c.3250G>A on transcript NM_002693.3 (MANE Select); coding-DNA position 3250, G replaced by A.
Protein change: p.Glu1084Lys; replaces glutamic acid 1084 with lysine.
Molecular consequence: missense variant.
Genome position (GRCh38, 1-based): chr15:89,318,954, C>T on the plus strand (G>A on the coding strand, the complement: POLG is on the minus strand). VCF-style: chr15-89318954-C-T. GRCh37 (hg19) VCF-style: chr15-89862185-C-T.
Other names: c.3250G>A, p.Glu1084Lys (NM_001126131.2); short protein forms E1084K.
Identifiers: ClinVar variation 4982703 (VCV004982703.1).
Genomic context (GRCh38, chr15:89,318,954, plus strand): 5'-GGGCCCCTCTGCCCATGCTCCAAAGGTAGCAAGATACCTCTTCCTGGACAGCCGAGGGCT[C>T]CAGGGCTCGGCTGATGCAGCAGCCCAGCACCGGGGTACGTGGTATGTCAGACGTAGCAAT-3'
Protein context (NP_002684.1, residues 1074-1094): VLGCCISRAL[Glu1084Lys]PSAVQEEFMT